The following is an entry in ClinVar:

NM_020297.4(ABCC9):c.3157A>C (p.Thr1053Pro)

Gene: ABCC9 (ATP binding cassette subfamily C member 9; minus strand). Cytogenetic location: 12p12.1.
Variant type: single nucleotide variant.
Coding change: c.3157A>C on transcript NM_020297.4 (MANE Select); coding-DNA position 3157, A replaced by C.
Protein change: p.Thr1053Pro; replaces threonine 1053 with proline.
Molecular consequence: missense variant.
Genome position (GRCh38, 1-based): chr12:21,844,855, T>G on the plus strand (A>C on the coding strand, the complement: ABCC9 is on the minus strand). VCF-style: chr12-21844855-T-G. GRCh37 (hg19) VCF-style: chr12-21997789-T-G.
Other names: c.3157A>C, p.Thr1053Pro (NM_001377273.1, NM_005691.4); c.2290A>C, p.Thr764Pro (NM_001377274.1); short protein forms T1053P, T764P.
Identifiers: ClinVar variation 2129520 (VCV002129520.4), dbSNP rs2541072938, ClinGen allele CA384118709.

ClinVar aggregate classification (germline): Uncertain significance (1 of 4 stars; one submission).

Conditions:
Dilated cardiomyopathy 1O (CMD1O). Also called: CARDIOMYOPATHY, DILATED, WITH VENTRICULAR TACHYCARDIA. Identifiers: Orphanet 154, MedGen C1837839, MONDO:0012062, OMIM 608569.

Submission:

Labcorp Genetics (formerly Invitae), Labcorp
Classification: Uncertain significance for Dilated cardiomyopathy 1O. Last evaluated: 2022-07-02. Review status: criteria provided, single submitter. Criteria: Invitae Variant Classification Sherloc (09022015). Collection method: clinical testing. Allele origin: germline.
Comment: This sequence change replaces threonine, which is neutral and polar, with proline, which is neutral and non-polar, at codon 1053 of the ABCC9 protein (p.Thr1053Pro). This variant is not present in population databases (gnomAD no frequency). In summary, the available evidence is currently insufficient to determine the role of this variant in disease. Therefore, it has been classified as a Variant of Uncertain Significance. Algorithms developed to predict the effect of missense changes on protein structure and function are either unavailable or do not agree on the potential impact of this missense change (SIFT: "Deleterious"; PolyPhen-2: "Possibly Damaging"; Align-GVGD: "Class C0"). This variant has not been reported in the literature in individuals affected with ABCC9-related conditions.